The following is an entry in ClinVar:

ClinVar aggregate classification (germline): Uncertain significance (1 of 4 stars; one submission).

Conditions:
Myofibrillar myopathy 3 (MFM3). Also called: Autosomal dominant spheroid body myopathy; Muscular dystrophy, proximal, type 1A. Identifiers: Orphanet 266, Orphanet 268129, MedGen C3714934, MONDO:0012215, OMIM 609200.

Submission:

Labcorp Genetics (formerly Invitae), Labcorp
Classification: Uncertain significance for Myofibrillar myopathy 3. Last evaluated: 2023-06-09. Review status: criteria provided, single submitter. Criteria: Invitae Variant Classification Sherloc (09022015). Collection method: clinical testing. Allele origin: germline.
Comment: In summary, the available evidence is currently insufficient to determine the role of this variant in disease. Therefore, it has been classified as a Variant of Uncertain Significance. An algorithm developed to predict the effect of missense changes on protein structure and function (PolyPhen-2) suggests that this variant is likely to be tolerated. This variant has not been reported in the literature in individuals affected with MYOT-related conditions. This variant is not present in population databases (gnomAD no frequency). This sequence change replaces threonine, which is neutral and polar, with isoleucine, which is neutral and non-polar, at codon 63 of the MYOT protein (p.Thr63Ile).

NM_006790.3(MYOT):c.188C>T (p.Thr63Ile)

Genes: MYOT (myotilin; plus strand), PKD2L2-DT (PKD2L2 divergent transcript; minus strand). Cytogenetic location: 5q31.2.
Variant type: single nucleotide variant.
Coding change: c.188C>T on transcript NM_006790.3 (MANE Select); coding-DNA position 188, C replaced by T.
Protein change: p.Thr63Ile; replaces threonine 63 with isoleucine.
Molecular consequence: missense variant. On other transcripts: intron variant (2).
Genome position (GRCh38, 1-based): chr5:137,870,839, C>T. VCF-style: chr5-137870839-C-T. GRCh37 (hg19) VCF-style: chr5-137206528-C-T.
Other names: c.-120-38C>T (NM_001300911.2); c.-197+314C>T (NM_001135940.2); short protein forms T63I.
Identifiers: ClinVar variation 2797504 (VCV002797504.3), dbSNP rs2531991242, ClinGen allele CA361052870.